The following is an entry in ClinVar:

NM_000152.5(GAA):c.2041-61del

Gene: GAA (alpha glucosidase; plus strand). Cytogenetic location: 17q25.3.
Variant type: Deletion.
Coding change: c.2041-61del on transcript NM_000152.5 (MANE Select); 61 bases into the intron before coding-DNA position 2041, one base deleted (G; older notation c.2041-61delG).
Molecular consequence: intron variant.
Genome position (GRCh38, 1-based): chr17:80,113,157, G deleted; the last of 4 consecutive G bases (chr17:80,113,154-80,113,157); deleting any one gives the same sequence. VCF-style (leftmost placement, unchanged base first): chr17-80113153-CG-C. GRCh37 (hg19) VCF-style: chr17-78086952-CG-C.
Other names: c.2041-61del (NM_001406741.1, NM_001406742.1, NM_001079803.3 and 1 more transcripts).
Identifiers: ClinVar variation 4876355 (VCV004876355.1).

ClinVar aggregate classification (germline): Likely benign (1 of 4 stars; one submission).

Conditions:
Glycogen storage disease, type II (IOPD). Also called: Pompe Disease; CARDIOMEGALIA GLYCOGENICA DIFFUSA; GLYCOGENOSIS, GENERALIZED, CARDIAC FORM; GSD II; POMPE DISEASE, INFANTILE-ONSET; GLYCOGEN STORAGE DISEASE II, INFANTILE-ONSET. Identifiers: Orphanet 365, MedGen C0017921, MONDO:0009290, OMIM 232300.

Submission:

Genomenon, Inc
Classification: Likely benign for Glycogen storage disease, type II. Last evaluated: 2026-07-01. Review status: criteria provided, single submitter. Criteria: Genomenon Sequence Variant Interpretation Standards - Updated. Collection method: curation. Allele origin: germline. Affected: no.
Comment: GAA c.2041-61del is a deletion variant located in intron 14. This variant has been reported in the published literature (PMID:22644586). It is absent or not present at a significant frequency in gnomAD. This variant is not predicted to impact splicing. In conclusion, we classify GAA c.2041-61del as a likely benign variant.

Literature cited by the submitters: PubMed 22644586.